The following is an entry in ClinVar:

ClinVar aggregate classification (germline): Benign/Likely benign. Review status: criteria provided, multiple submitters, no conflicts (2 of 4 stars). 6 submissions from 6 submitters: Benign (1); Likely benign (5). Last evaluated 2026-02-02.

Conditions:
Congenital stationary night blindness 1E. Also called: Night blindness, congenital stationary (complete), 1E, autosomal recessive. Identifiers: Orphanet 215, MedGen C3281215, MONDO:0013807, OMIM 614565.

Allele frequency attached by ClinVar (database versions not stated): 1000 Genomes Project 0.00140; 1000 Genomes Project 30x 0.00172; ExAC 0.00358; gnomAD 0.00373 and 0.00382; gnomAD exomes 0.00392 and 0.00511; TOPMed 0.00405; ESP Exome Variant Server 0.00489.

Submissions (6):

Labcorp Genetics (formerly Invitae), Labcorp
Classification: Benign. Last evaluated: 2026-02-02. Review status: criteria provided, single submitter. Criteria: Invitae Variant Classification Sherloc (09022015). Collection method: clinical testing. Allele origin: germline.

Blueprint Genetics
Classification: Likely benign. Last evaluated: 2024-11-27. Review status: criteria provided, single submitter. Criteria: ACMG Guidelines, 2015. Collection method: clinical testing. Allele origin: germline.

CeGaT Center for Human Genetics Tuebingen
Classification: Likely benign. Last evaluated: 2022-10-01. Review status: criteria provided, single submitter. Criteria: CeGaT Center For Human Genetics Tuebingen Variant Classification Criteria Version 2. Collection method: clinical testing. Allele origin: germline. Affected: yes. Observed: 2 variant alleles.
Comment: GPR179: BP4, BS2

Illumina Laboratory Services, Illumina
Classification: Likely benign for Congenital stationary night blindness 1E. Last evaluated: 2018-01-13. Review status: criteria provided, single submitter. Criteria: ICSL Variant Classification Criteria 13 December 2019. Collection method: clinical testing. Allele origin: germline.
Comment: This variant was observed in the ICSL laboratory as part of a predisposition screen in an ostensibly healthy population. It had not been previously curated by ICSL or reported in the Human Gene Mutation Database (HGMD: prior to June 1st, 2018), and was therefore a candidate for classification through an automated scoring system. Utilizing variant allele frequency, disease prevalence and penetrance estimates, and inheritance mode, an automated score was calculated to assess if this variant is too frequent to cause the disease. Based on the score and internal cut-off values, a variant classified as likely benign is not then subjected to further curation. The score for this variant resulted in a classification of likely benign for this disease.

Eurofins Ntd Llc (ga)
Classification: Likely benign. Last evaluated: 2015-02-20. Review status: criteria provided, single submitter. Criteria: EGL Classification Definitions 2015. Collection method: clinical testing. Allele origin: germline. Observed: 1 variant allele, 1 heterozygote.

Breakthrough Genomics
Classification: Likely benign. Review status: criteria provided, single submitter. Criteria: ACMG Guidelines, 2015. Collection method: not provided. Allele origin: germline. Inheritance: Autosomal recessive inheritance. Affected: yes.

NM_001004334.4(GPR179):c.3847C>T (p.Pro1283Ser)

Gene: GPR179 (G protein-coupled receptor 179; minus strand). Cytogenetic location: 17q12.
Variant type: single nucleotide variant.
Coding change: c.3847C>T on transcript NM_001004334.4 (MANE Select); coding-DNA position 3847, C replaced by T.
Protein change: p.Pro1283Ser; replaces proline 1283 with serine.
Molecular consequence: missense variant.
Genome position (GRCh38, 1-based): chr17:38,329,722, G>A on the plus strand (C>T on the coding strand, the complement: GPR179 is on the minus strand). VCF-style: chr17-38329722-G-A. GRCh37 (hg19) VCF-style: chr17-36485605-G-A.
Other names: short protein forms P1283S.
Identifiers: ClinVar variation 193824 (VCV000193824.43), dbSNP rs150125328, ClinGen allele CA200798.